The following is an entry in ClinVar:

NM_002890.3(RASA1):c.2011+7T>G

Genes: CCNH (cyclin H; minus strand), RASA1 (RAS p21 protein activator 1; plus strand). Cytogenetic location: 5q14.3.
Variant type: single nucleotide variant.
Coding change: c.2011+7T>G on transcript NM_002890.3 (MANE Select); 7 bases into the intron after coding-DNA position 2011, T replaced by G.
Molecular consequence: intron variant.
Genome position (GRCh38, 1-based): chr5:87,374,923, T>G. VCF-style: chr5-87374923-T-G. GRCh37 (hg19) VCF-style: chr5-86670740-T-G.
Other names: c.1480+7T>G (NM_022650.3); c.933+20121A>C (NM_001364075.2).
Identifiers: ClinVar variation 513196 (VCV000513196.5), dbSNP rs1459156769, ClinGen allele CA560882725.

ClinVar aggregate classification (germline): Likely benign. Review status: criteria provided, multiple submitters, no conflicts (2 of 4 stars). 2 submissions from 2 submitters: Likely benign (2). Last evaluated 2024-04-22.

Conditions:
Capillary malformation-arteriovenous malformation syndrome. Also called: Capillary malformation-arteriovenous malformation. Identifiers: Orphanet 137667, MedGen C1842180, MONDO:0012016.

Allele frequency attached by ClinVar (database versions not stated): gnomAD exomes 0.00001.
gnomAD v4.1: 5 of 1,602,730 alleles (0.00031%); highest among the groups gnomAD compares: East Asian, 0.011%; no homozygotes.

Submissions (2):

Labcorp Genetics (formerly Invitae), Labcorp
Classification: Likely benign for Capillary malformation-arteriovenous malformation syndrome. Last evaluated: 2024-04-22. Review status: criteria provided, single submitter. Criteria: Invitae Variant Classification Sherloc (09022015). Collection method: clinical testing. Allele origin: germline.

GeneDx
Classification: Likely benign. Last evaluated: 2017-11-08. Review status: criteria provided, single submitter. Criteria: GeneDx Variant Classification (06012015). Collection method: clinical testing. Allele origin: germline. Affected: yes.
Comment: This variant is considered likely benign or benign based on one or more of the following criteria: it is a conservative change, it occurs at a poorly conserved position in the protein, it is predicted to be benign by multiple in silico algorithms, and/or has population frequency not consistent with disease.